The following is an entry in ClinVar:

ClinVar aggregate classification (germline): Uncertain significance (1 of 4 stars; one submission).

Conditions:
Inborn genetic diseases. Identifiers: MedGen C0950123, MeSH D030342.

Submission:

Ambry Genetics
Classification: Uncertain significance for Inborn genetic diseases. Last evaluated: 2026-04-28. Review status: criteria provided, single submitter. Criteria: Ambry Variant Classification Scheme 2023. Collection method: clinical testing. Allele origin: germline.
Comment: The p.S1298A variant (also known as c.3892T>G), located in coding exon 14 of the FANCM gene, results from a T to G substitution at nucleotide position 3892. The serine at codon 1298 is replaced by alanine, an amino acid with similar properties. This amino acid position is conserved. In addition, this alteration is predicted to be tolerated by in silico analysis. Based on the available evidence, the clinical significance of this variant remains unclear.

NM_020937.4(FANCM):c.3892T>G (p.Ser1298Ala)

Gene: FANCM (FA complementation group M; plus strand). Cytogenetic location: 14q21.2.
Variant type: single nucleotide variant.
Coding change: c.3892T>G on transcript NM_020937.4 (MANE Select); coding-DNA position 3892, T replaced by G.
Protein change: p.Ser1298Ala; replaces serine 1298 with alanine.
Molecular consequence: missense variant.
Genome position (GRCh38, 1-based): chr14:45,176,646, T>G. VCF-style: chr14-45176646-T-G. GRCh37 (hg19) VCF-style: chr14-45645849-T-G.
Other names: c.3814T>G, p.Ser1272Ala (NM_001308133.2); short protein forms S1272A, S1298A.
Identifiers: ClinVar variation 4871108 (VCV004871108.1).